The following is an entry in ClinVar:

ClinVar aggregate classification (germline): Benign. Review status: criteria provided, multiple submitters, no conflicts (2 of 4 stars). 4 submissions from 4 submitters: Benign (2). 2 of the submissions do not count toward it. Last evaluated 2026-02-03.

Conditions:
Brugada syndrome. Also called: Sudden unexpected nocturnal death syndrome; Sudden Unexplained Death Syndrome; Sudden Unexplained Nocturnal Death Syndrome (SUNDS); Sudden unexplained nocturnal death syndrome. Identifiers: Orphanet 130, MedGen C1142166, MONDO:0015263.

Submissions (4):

Labcorp Genetics (formerly Invitae), Labcorp
Classification: Benign for Brugada syndrome. Last evaluated: 2026-02-03. Review status: criteria provided, single submitter. Criteria: Invitae Variant Classification Sherloc (09022015). Collection method: clinical testing. Allele origin: germline.

Women's Health and Genetics/Laboratory Corporation of America, LabCorp
Classification: Benign. Last evaluated: 2024-02-27. Review status: criteria provided, single submitter. Criteria: LabCorp Variant Classification Summary - May 2015. Collection method: clinical testing. Allele origin: germline.
Comment: Variant summary: SLMAP c.199-5dupT alters a non-conserved nucleotide located close to a canonical splice site and therefore could affect mRNA splicing, leading to a significantly altered protein sequence. Consensus agreement among computation tools predict no significant impact on normal splicing. However, these predictions have yet to be confirmed by functional studies. The variant allele was found at a frequency of 0.0059 in 1417100 control chromosomes in the gnomAD database, including 30 homozygotes. The observed variant frequency is approximately 937-fold of the estimated maximal expected allele frequency for a pathogenic variant in SLMAP causing Arrhythmia phenotype (6.3e-06), strongly suggesting that the variant is benign. To our knowledge, no occurrence of c.199-5dupT in individuals affected with Arrhythmia and no experimental evidence demonstrating its impact on protein function have been reported. ClinVar contains an entry for this variant (Variation ID: 1284297). Based on the evidence outlined above, the variant was classified as benign.

Clinical Genetics, Academic Medical Center
Classification: Benign. Review status: no assertion criteria provided. Collection method: clinical testing. Allele origin: germline. Affected: yes. Study: VKGL Data-share Consensus. Not counted in ClinVar's aggregate classification.

Joint Genome Diagnostic Labs from Nijmegen and Maastricht, Radboudumc and MUMC+
Classification: Benign. Review status: no assertion criteria provided. Collection method: clinical testing. Allele origin: germline. Affected: yes. Study: VKGL Data-share Consensus. Not counted in ClinVar's aggregate classification.

NM_001377540.1(SLMAP):c.199-5dup

Gene: SLMAP (sarcolemma associated protein; plus strand). Cytogenetic location: 3p14.3.
Variant type: Duplication.
Coding change: c.199-5dup on transcript NM_001377540.1 (MANE Select); 5 bases into the intron before coding-DNA position 199, one base duplicated (T; older notation c.199-5dupT).
Molecular consequence: intron variant.
Genome position (GRCh38, 1-based): chr3:57,831,378, T duplicated; the last of 9 consecutive T bases (chr3:57,831,370-57,831,378); duplicating any one gives the same sequence. VCF-style (leftmost placement, unchanged base first): chr3-57831369-G-GT. GRCh37 (hg19) VCF-style: chr3-57817096-G-GT.
Other names: c.199-5dupT (NM_007159.5); c.199-5dup (NM_001377538.1, NM_001377539.1, NM_001377555.1 and 17 more transcripts).
Identifiers: ClinVar variation 1284297 (VCV001284297.14), dbSNP rs199960887, ClinGen allele CA2466750.